The following is an entry in ClinVar:

ClinVar aggregate classification (germline): Pathogenic (1 of 4 stars; one submission).

Submission:

Labcorp Genetics (formerly Invitae), Labcorp
Classification: Pathogenic. Last evaluated: 2022-12-19. Review status: criteria provided, single submitter. Criteria: Invitae Variant Classification Sherloc (09022015). Collection method: clinical testing. Allele origin: unknown.
Comment: For these reasons, this variant has been classified as Pathogenic. This variant has not been reported in the literature in individuals affected with CISD2-related conditions. This variant is a gross deletion of the genomic region encompassing exon(s) 1-2 of the CISD2 gene, which includes the initiator codon. This deletion extends beyond the assayed region for this gene and therefore may encompass additional genes. It is expected to result in an absent or disrupted protein product. Loss-of-function variants in CISD2 are known to be pathogenic (PMID: 25371195).

Literature cited by the submitters: PubMed 25371195.

NC_000004.11:g.(?_103790242)_(103806607_?)del

Genes: CISD2 (CDGSH iron sulfur domain 2; plus strand), SLC9B1 (solute carrier family 9 member B1; minus strand). Cytogenetic location: 4q24.
Variant type: Deletion.
Identifiers: ClinVar variation 3246712 (VCV003246712.1).